The following is an entry in ClinVar:

NM_003803.4(MYOM1):c.2390C>G (p.Thr797Ser)

Gene: MYOM1 (myomesin 1; minus strand). Cytogenetic location: 18p11.31.
Variant type: single nucleotide variant.
Coding change: c.2390C>G on transcript NM_003803.4 (MANE Select); coding-DNA position 2390, C replaced by G.
Protein change: p.Thr797Ser; replaces threonine 797 with serine.
Molecular consequence: missense variant.
Genome position (GRCh38, 1-based): chr18:3,131,491, G>C on the plus strand (C>G on the coding strand, the complement: MYOM1 is on the minus strand). VCF-style: chr18-3131491-G-C. GRCh37 (hg19) VCF-style: chr18-3131489-G-C.
Other names: c.2390C>G, p.Thr797Ser (NM_019856.2); short protein forms T797S.
Identifiers: ClinVar variation 2619721 (VCV002619721.5), dbSNP rs780023914, ClinGen allele CA401711578.

ClinVar aggregate classification (germline): Uncertain significance. Review status: criteria provided, multiple submitters, no conflicts (2 of 4 stars). 2 submissions from 2 submitters: Uncertain significance (2). Last evaluated 2025-04-08.

Conditions:
Hypertrophic cardiomyopathy. Also called: HYPERTROPHIC MYOCARDIOPATHY. Identifiers: Orphanet 217569, MedGen C0007194, MeSH D002312, MONDO:0005045, HP:0001639.

Allele frequency attached by ClinVar (database versions not stated): TOPMed below 0.00001; gnomAD 0.00001.
gnomAD v4.1: 38 of 1,609,852 alleles (0.0024%); highest among the groups gnomAD compares: Non-Finnish European, 0.0031%; no homozygotes.

Submissions (2):

Labcorp Genetics (formerly Invitae), Labcorp
Classification: Uncertain significance for Hypertrophic cardiomyopathy. Last evaluated: 2025-04-08. Review status: criteria provided, single submitter. Criteria: Invitae Variant Classification Sherloc (09022015). Collection method: clinical testing. Allele origin: germline.
Comment: This sequence change replaces threonine, which is neutral and polar, with serine, which is neutral and polar, at codon 797 of the MYOM1 protein (p.Thr797Ser). This variant is present in population databases (no rsID available, gnomAD 0.01%). This variant has not been reported in the literature in individuals affected with MYOM1-related conditions. ClinVar contains an entry for this variant (Variation ID: 2619721). Invitae Evidence Modeling of protein sequence and biophysical properties (such as structural, functional, and spatial information, amino acid conservation, physicochemical variation, residue mobility, and thermodynamic stability) indicates that this missense variant is not expected to disrupt MYOM1 protein function with a negative predictive value of 80%. In summary, the available evidence is currently insufficient to determine the role of this variant in disease. Therefore, it has been classified as a Variant of Uncertain Significance.

Ambry Genetics
Classification: Uncertain significance. Last evaluated: 2023-06-17. Review status: criteria provided, single submitter. Criteria: Ambry Variant Classification Scheme 2023. Collection method: clinical testing. Allele origin: germline.
Comment: The p.T797S variant (also known as c.2390C>G), located in coding exon 16 of the MYOM1 gene, results from a C to G substitution at nucleotide position 2390. The threonine at codon 797 is replaced by serine, an amino acid with similar properties. This amino acid position is conserved. In addition, this alteration is predicted to be tolerated by in silico analysis. Since supporting evidence is limited at this time, the clinical significance of this alteration remains unclear.